The following is an entry in ClinVar:

NM_005535.3(IL12RB1):c.1163C>T (p.Pro388Leu)

Gene: IL12RB1 (interleukin 12 receptor subunit beta 1; minus strand). Cytogenetic location: 19p13.11.
Variant type: single nucleotide variant.
Coding change: c.1163C>T on transcript NM_005535.3 (MANE Select); coding-DNA position 1163, C replaced by T.
Protein change: p.Pro388Leu; replaces proline 388 with leucine.
Molecular consequence: missense variant.
Genome position (GRCh38, 1-based): chr19:18,069,572, G>A on the plus strand (C>T on the coding strand, the complement: IL12RB1 is on the minus strand). VCF-style: chr19-18069572-G-A. GRCh37 (hg19) VCF-style: chr19-18180382-G-A.
Other names: c.1163C>T, p.Pro388Leu (NM_001290023.2); c.1283C>T, p.Pro428Leu (NM_001290024.2); short protein forms P388L, P428L.
Identifiers: ClinVar variation 2060568 (VCV002060568.4), dbSNP rs771268901, ClinGen allele CA9304943.
Genomic context (GRCh38, chr19:18,069,572, plus strand): 5'-GGAGGGGTAGGCGCAGGCCATTCCAGGCCATTACCCATTCCAGCCGGATCCGGGTCTTGC[G>A]GCGCAGTCAGGCTGCAGGTGGCAAGGCCCCCGTCCTGGCCCACAGGCTGCCATTCAATGC-3'
Protein context (NP_005526.1, residues 378-398): GGLATCSLTA[Pro388Leu]QDPDPAGMAT

ClinVar aggregate classification (germline): Uncertain significance. Review status: criteria provided, multiple submitters, no conflicts (2 of 4 stars). 2 submissions from 2 submitters: Uncertain significance (2). Last evaluated 2024-06-20.

Conditions:
Mendelian susceptibility to mycobacterial diseases due to complete IL12RB1 deficiency. Also called: IL12RB1 DEFICIENCY; Immunodeficiency 30. Identifiers: Orphanet 319552, MedGen C4013949, MONDO:0013955, OMIM 614891.
Inborn genetic diseases. Identifiers: MedGen C0950123, MeSH D030342.

Allele frequency attached by ClinVar (database versions not stated): ExAC 0.00002.
gnomAD v4.1: 7 of 1,610,934 alleles (0.00043%); highest among the groups gnomAD compares: Admixed American, 0.0033%; no homozygotes.

Submissions (2):

Labcorp Genetics (formerly Invitae), Labcorp
Classification: Uncertain significance for Mendelian susceptibility to mycobacterial diseases due to complete IL12RB1 deficiency. Last evaluated: 2024-06-20. Review status: criteria provided, single submitter. Criteria: Invitae Variant Classification Sherloc (09022015). Collection method: clinical testing. Allele origin: germline.
Comment: This sequence change replaces proline, which is neutral and non-polar, with leucine, which is neutral and non-polar, at codon 388 of the IL12RB1 protein (p.Pro388Leu). The frequency data for this variant in the population databases is considered unreliable, as metrics indicate poor data quality at this position in the gnomAD database. This variant has not been reported in the literature in individuals affected with IL12RB1-related conditions. ClinVar contains an entry for this variant (Variation ID: 2060568). An algorithm developed to predict the effect of missense changes on protein structure and function (PolyPhen-2) suggests that this variant is likely to be disruptive. In summary, the available evidence is currently insufficient to determine the role of this variant in disease. Therefore, it has been classified as a Variant of Uncertain Significance.

Ambry Genetics
Classification: Uncertain significance for Inborn genetic diseases. Last evaluated: 2022-04-25. Review status: criteria provided, single submitter. Criteria: Ambry Variant Classification Scheme 2023. Collection method: clinical testing. Allele origin: germline.